The following is an entry in ClinVar:

NM_002340.6(LSS):c.1455T>C (p.Asp485=)

Gene: LSS (lanosterol synthase; minus strand). Cytogenetic location: 21q22.3.
Variant type: single nucleotide variant.
Coding change: c.1455T>C on transcript NM_002340.6 (MANE Select); coding-DNA position 1455, T replaced by C.
Protein change: p.Asp485=; no amino-acid change (aspartic acid 485 retained).
Molecular consequence: synonymous variant.
Genome position (GRCh38, 1-based): chr21:46,207,440, A>G on the plus strand (T>C on the coding strand, the complement: LSS is on the minus strand). VCF-style: chr21-46207440-A-G. GRCh37 (hg19) VCF-style: chr21-47627354-A-G.
Other names: c.1455T>C, p.Asp485= (NM_001001438.3); c.1422T>C, p.Asp474= (NM_001145436.2); c.1215T>C, p.Asp405= (NM_001145437.2).
Identifiers: ClinVar variation 2652812 (VCV002652812.26), dbSNP rs374181235, ClinGen allele CA10074997.
Genomic context (GRCh38, chr21:46,207,440, plus strand): 5'-TCTGCAGGACACGAGGTATGGACGGGGCTGCTGGGACCACAGCCTTACCACAGCCACAGC[A>G]TCGCAGAGCCGTTCTCTGGGGATGTGCTCGGTGACATGGGGACACTTCTCCTGCAGGAGC-3'
Protein context (NP_002331.3, residues 475-495): TEHIPRERLC[Asp485=]AVAVLLNMRN

ClinVar aggregate classification (germline): Likely benign. Review status: criteria provided, multiple submitters, no conflicts (2 of 4 stars). 2 submissions from 2 submitters: Likely benign (2). Last evaluated 2024-09-05.

Allele frequency attached by ClinVar (database versions not stated): ExAC 0.00023; gnomAD 0.00029; TOPMed 0.00030; ESP Exome Variant Server 0.00031; gnomAD exomes 0.00048.
gnomAD v4.1: 729 of 1,612,392 alleles (0.045%); highest among the groups gnomAD compares: Non-Finnish European, 0.06%; no homozygotes.

Submissions (2):

Labcorp Genetics (formerly Invitae), Labcorp
Classification: Likely benign. Last evaluated: 2024-09-05. Review status: criteria provided, single submitter. Criteria: Invitae Variant Classification Sherloc (09022015). Collection method: clinical testing. Allele origin: germline.

CeGaT Center for Human Genetics Tuebingen
Classification: Likely benign. Last evaluated: 2023-02-01. Review status: criteria provided, single submitter. Criteria: CeGaT Center For Human Genetics Tuebingen Variant Classification Criteria Version 2. Collection method: clinical testing. Allele origin: germline. Affected: yes. Observed: 1 variant allele.
Comment: LSS: BP4, BP7